The following is an entry in ClinVar:

ClinVar aggregate classification (germline): Uncertain significance (1 of 4 stars; one submission).

gnomAD v4.1: 3 of 1,597,406 alleles (0.00019%); highest among the groups gnomAD compares: Non-Finnish European, 0.00026%; no homozygotes.

Submission:

Women's Health and Genetics/Laboratory Corporation of America, LabCorp
Classification: Uncertain significance. Last evaluated: 2026-06-26. Review status: criteria provided, single submitter. Criteria: LabCorp Variant Classification Summary - May 2015. Collection method: clinical testing. Allele origin: germline.
Comment: Variant summary: MAST1 c.4709C>T (p.Pro1570Leu) results in a non-conservative amino acid change in the encoded protein sequence. Algorithms developed to predict the effect of missense changes on protein structure and function are either unavailable or do not agree on the potential impact of this missense change. The variant allele was found at a frequency of 4.5e-06 in 220162 control chromosomes. The available data on variant occurrences in the general population are insufficient to allow any conclusion about variant significance. To our knowledge, no occurrence of c.4709C>T in individuals affected with MAST1-related conditions and no experimental evidence demonstrating its impact on protein function have been reported. No submitters have cited clinical-significance assessments for this variant to ClinVar. Based on the evidence outlined above, the variant was classified as uncertain significance.

NM_014975.3(MAST1):c.4709C>T (p.Pro1570Leu)

Gene: MAST1 (microtubule associated serine/threonine kinase 1; plus strand). Cytogenetic location: 19p13.13.
Variant type: single nucleotide variant.
Coding change: c.4709C>T on transcript NM_014975.3 (MANE Select); coding-DNA position 4709, C replaced by T.
Protein change: p.Pro1570Leu; replaces proline 1570 with leucine.
Molecular consequence: missense variant.
Genome position (GRCh38, 1-based): chr19:12,874,866, C>T. VCF-style: chr19-12874866-C-T. GRCh37 (hg19) VCF-style: chr19-12985680-C-T.
Other names: short protein forms P1570L.
Identifiers: ClinVar variation 4887666 (VCV004887666.1).